The following is an entry in ClinVar:

ClinVar aggregate classification (germline): Uncertain significance (1 of 4 stars; one submission).

Conditions:
Inborn genetic diseases. Identifiers: MedGen C0950123, MeSH D030342.

gnomAD v4.1: 1 of 1,230,298 alleles (0.000081%); highest among the groups gnomAD compares: Non-Finnish European, 0.0001%; no homozygotes.

Submission:

Ambry Genetics
Classification: Uncertain significance for Inborn genetic diseases. Last evaluated: 2025-05-19. Review status: criteria provided, single submitter. Criteria: Ambry Variant Classification Scheme 2023. Collection method: clinical testing. Allele origin: germline.
Comment: The p.L206P variant (also known as c.617T>C), located in coding exon 1 of the CEBPA gene, results from a T to C substitution at nucleotide position 617. The leucine at codon 206 is replaced by proline, an amino acid with similar properties. This amino acid position is conserved. In addition, this alteration is predicted to be tolerated by in silico analysis. Based on the available evidence, the clinical significance of this variant remains unclear.

NM_004364.5(CEBPA):c.617T>C (p.Leu206Pro)

Gene: CEBPA (CCAAT enhancer binding protein alpha; minus strand). Cytogenetic location: 19q13.11.
Variant type: single nucleotide variant.
Coding change: c.617T>C on transcript NM_004364.5 (MANE Select); coding-DNA position 617, T replaced by C.
Protein change: p.Leu206Pro; replaces leucine 206 with proline.
Molecular consequence: missense variant.
Genome position (GRCh38, 1-based): chr19:33,301,798, A>G on the plus strand (T>C on the coding strand, the complement: CEBPA is on the minus strand). VCF-style: chr19-33301798-A-G. GRCh37 (hg19) VCF-style: chr19-33792704-A-G.
Other names: c.260T>C, p.Leu87Pro (NM_001285829.2); c.722T>C, p.Leu241Pro (NM_001287424.2); c.575T>C, p.Leu192Pro (NM_001287435.2); short protein forms L206P, L192P, L87P, L241P.
Identifiers: ClinVar variation 4000014 (VCV004000014.1).